The following is an entry in ClinVar:

ClinVar aggregate classification (germline): Uncertain significance (1 of 4 stars; one submission).

Allele frequency attached by ClinVar (database versions not stated): gnomAD 0.00001; TOPMed below 0.00001.

Submission:

GeneDx
Classification: Uncertain significance. Last evaluated: 2024-09-20. Review status: criteria provided, single submitter. Criteria: GeneDx Variant Classification Process June 2021. Collection method: clinical testing. Allele origin: germline.
Comment: Not observed at significant frequency in large population cohorts (gnomAD); In silico analysis indicates that this missense variant does not alter protein structure/function; Has not been previously published as pathogenic or benign to our knowledge

NM_006160.4(NEUROD2):c.60C>A (p.Ser20Arg)

Gene: NEUROD2 (neuronal differentiation 2; minus strand). Cytogenetic location: 17q12.
Variant type: single nucleotide variant.
Coding change: c.60C>A on transcript NM_006160.4 (MANE Select); coding-DNA position 60, C replaced by A.
Protein change: p.Ser20Arg; replaces serine 20 with arginine.
Molecular consequence: missense variant.
Genome position (GRCh38, 1-based): chr17:39,606,540, G>T on the plus strand (C>A on the coding strand, the complement: NEUROD2 is on the minus strand). VCF-style: chr17-39606540-G-T. GRCh37 (hg19) VCF-style: chr17-37762793-G-T.
Other names: short protein forms S20R.
Identifiers: ClinVar variation 1698274 (VCV001698274.3), dbSNP rs1264763995, ClinGen allele CA399259289.
Genomic context (GRCh38, chr17:39,606,540, plus strand): 5'-TGGCGGTGGCGGCGCGTCGCCCTTGTCGCTCCTCGGCTCGTCGTCTTCGCCGTCGCCCCA[G>T]CTGGCGAACTTGGGCACGTCCGAGAGAAGGCCGGGCTCGCTGAACAGGCGGGTCAGCATG-3'
Protein context (NP_006151.3, residues 10-30): GLLSDVPKFA[Ser20Arg]WGDGEDDEPR